The following is an entry in ClinVar:

NM_000268.4(NF2):c.1213G>A (p.Ala405Thr)

Gene: NF2 (NF2, moesin-ezrin-radixin like (MERLIN) tumor suppressor; plus strand). Cytogenetic location: 22q12.2.
Variant type: single nucleotide variant.
Coding change: c.1213G>A on transcript NM_000268.4 (MANE Select); coding-DNA position 1213, G replaced by A.
Protein change: p.Ala405Thr; replaces alanine 405 with threonine.
Molecular consequence: missense variant. On other transcripts: intron variant (1).
Genome position (GRCh38, 1-based): chr22:29,673,359, G>A. VCF-style: chr22-29673359-G-A. GRCh37 (hg19) VCF-style: chr22-30069348-G-A.
Other names: c.1099G>A, p.Ala367Thr (NM_001407053.1, NM_001407056.1); c.1090G>A, p.Ala364Thr (NM_001407054.1, NM_001407058.1, NM_181829.3); c.1087G>A, p.Ala363Thr (NM_001407055.1, NM_181828.3); c.1078G>A, p.Ala360Thr (NM_001407057.1, NM_001407059.1); c.1213G>A, p.Ala405Thr (NM_001407060.1, NM_001407066.1, NM_016418.5 and 2 more transcripts); c.955G>A, p.Ala319Thr (NM_001407062.1); c.964G>A, p.Ala322Thr (NM_001407063.1, NM_001407064.1, NM_181830.3 and 1 more transcripts); c.679G>A, p.Ala227Thr (NM_001407065.1); and 2 more; short protein forms A227T, A322T, A328T, A360T, A319T, A364T, A367T, A363T.
Identifiers: ClinVar variation 3703225 (VCV003703225.2).

ClinVar aggregate classification (germline): Uncertain significance (1 of 4 stars; one submission).

Conditions:
Neurofibromatosis, type 2 (SWNV). Also called: BILATERAL ACOUSTIC NEUROFIBROMATOSIS; SCHWANNOMATOSIS, VESTIBULAR; NF2-Related Schwannomatosis. Identifiers: Orphanet 637, MedGen C0027832, MONDO:0007039, OMIM 101000. Disease mechanism: loss of function.

Submission:

Labcorp Genetics (formerly Invitae), Labcorp
Classification: Uncertain significance for Neurofibromatosis, type 2. Last evaluated: 2024-09-22. Review status: criteria provided, single submitter. Criteria: Invitae Variant Classification Sherloc (09022015). Collection method: clinical testing. Allele origin: germline.
Comment: This sequence change replaces alanine, which is neutral and non-polar, with threonine, which is neutral and polar, at codon 405 of the NF2 protein (p.Ala405Thr). This variant is not present in population databases (gnomAD no frequency). This variant has not been reported in the literature in individuals affected with NF2-related conditions. Invitae Evidence Modeling of protein sequence and biophysical properties (such as structural, functional, and spatial information, amino acid conservation, physicochemical variation, residue mobility, and thermodynamic stability) indicates that this missense variant is not expected to disrupt NF2 protein function with a negative predictive value of 80%. In summary, the available evidence is currently insufficient to determine the role of this variant in disease. Therefore, it has been classified as a Variant of Uncertain Significance.